The following is an entry in ClinVar:

ClinVar aggregate classification (germline): Uncertain significance (1 of 4 stars; one submission).

Conditions:
Familial cold autoinflammatory syndrome 3 (FCAS3). Also called: FAMILIAL ATYPICAL COLD URTICARIA; ANTIBODY DEFICIENCY AND IMMUNE DYSREGULATION, PLCG2-ASSOCIATED. Identifiers: Orphanet 300359, MedGen C3280914, MONDO:0013766, OMIM 614468.

Submission:

Labcorp Genetics (formerly Invitae), Labcorp
Classification: Uncertain significance for Familial cold autoinflammatory syndrome 3. Last evaluated: 2023-06-30. Review status: criteria provided, single submitter. Criteria: Invitae Variant Classification Sherloc (09022015). Collection method: clinical testing. Allele origin: germline.
Comment: This sequence change replaces aspartic acid, which is acidic and polar, with glutamic acid, which is acidic and polar, at codon 831 of the PLCG2 protein (p.Asp831Glu). This variant is not present in population databases (gnomAD no frequency). This variant has not been reported in the literature in individuals affected with PLCG2-related conditions. Algorithms developed to predict the effect of missense changes on protein structure and function output the following: SIFT: "Not Available"; PolyPhen-2: "Benign"; Align-GVGD: "Not Available". The glutamic acid amino acid residue is found in multiple mammalian species, which suggests that this missense change does not adversely affect protein function. In summary, the available evidence is currently insufficient to determine the role of this variant in disease. Therefore, it has been classified as a Variant of Uncertain Significance.

NM_002661.5(PLCG2):c.2493C>A (p.Asp831Glu)

Gene: PLCG2 (phospholipase C gamma 2; plus strand). Cytogenetic location: 16q23.3.
Variant type: single nucleotide variant.
Coding change: c.2493C>A on transcript NM_002661.5 (MANE Select); coding-DNA position 2493, C replaced by A.
Protein change: p.Asp831Glu; replaces aspartic acid 831 with glutamic acid.
Molecular consequence: missense variant.
Genome position (GRCh38, 1-based): chr16:81,927,157, C>A. VCF-style: chr16-81927157-C-A. GRCh37 (hg19) VCF-style: chr16-81960762-C-A.
Other names: c.2493C>A, p.Asp831Glu (NM_001425749.1, NM_001425750.1, NM_001425751.1); short protein forms D831E.
Identifiers: ClinVar variation 2733862 (VCV002733862.3), dbSNP rs1291655211, ClinGen allele CA396902802.
Genomic context (GRCh38, chr16:81,927,157, plus strand): 5'-TGGAACCAGGATCCAGCAGTACTTCCCATCCAACTACGTCGAGGACATCTCAACTGCAGA[C>A]TTCGAGGAGCTAGAAAAGCAGGTGAGTCCCCCTCTTCGATCCTCTTACAGGAAGAAGGGA-3'
Protein context (NP_002652.2, residues 821-841): SNYVEDISTA[Asp831Glu]FEELEKQIIE